The following is an entry in ClinVar:

NM_003331.5(TYK2):c.1209+1G>T

Gene: TYK2 (tyrosine kinase 2; minus strand). Cytogenetic location: 19p13.2.
Variant type: single nucleotide variant.
Coding change: c.1209+1G>T on transcript NM_003331.5 (MANE Select); the canonical splice donor site of the intron after coding-DNA position 1209, G replaced by T.
Molecular consequence: splice donor variant. On other transcripts: intron variant (1).
Genome position (GRCh38, 1-based): chr19:10,364,850, C>A on the plus strand (G>T on the coding strand, the complement: TYK2 is on the minus strand). VCF-style: chr19-10364850-C-A. GRCh37 (hg19) VCF-style: chr19-10475526-C-A.
Other names: c.1209+1G>T (NM_001385199.1, NM_001406461.1, NM_001385206.1 and 7 more transcripts); c.1119+1G>T (NM_001385205.1); c.1012-79G>T (NM_001385201.1).
Identifiers: ClinVar variation 4712711 (VCV004712711.1).

ClinVar aggregate classification (germline): Likely pathogenic (1 of 4 stars; one submission).

Conditions:
Immunodeficiency 35 (IMD35). Also called: HIES WITH ATYPICAL MYCOBACTERIOSIS, AUTOSOMAL RECESSIVE; HYPER-IgE SYNDROME WITH ATYPICAL MYCOBACTERIOSIS, AUTOSOMAL RECESSIVE; TYK2 DEFICIENCY; Susceptibility to infection due to TYK2 deficiency. Identifiers: Orphanet 331226, MedGen C1969086, MONDO:0012682, OMIM 611521.

gnomAD v4.1: 1 of 1,614,098 alleles (0.000062%); highest among the groups gnomAD compares: Non-Finnish European, 0.000085%; no homozygotes.

Submission:

Labcorp Genetics (formerly Invitae), Labcorp
Classification: Likely pathogenic for Immunodeficiency 35. Last evaluated: 2025-02-10. Review status: criteria provided, single submitter. Criteria: Invitae Variant Classification Sherloc (09022015). Collection method: clinical testing. Allele origin: germline.
Comment: This sequence change affects a donor splice site in intron 8 of the TYK2 gene. It is expected to disrupt RNA splicing. Variants that disrupt the donor or acceptor splice site typically lead to a loss of protein function (PMID: 16199547), and loss-of-function variants in TYK2 are known to be pathogenic (PMID: 22402565, 26304966). This variant is not present in population databases (gnomAD no frequency). This variant has not been reported in the literature in individuals affected with TYK2-related conditions. Algorithms developed to predict the effect of sequence changes on RNA splicing suggest that this variant may disrupt the consensus splice site. In summary, the currently available evidence indicates that the variant is pathogenic, but additional data are needed to prove that conclusively. Therefore, this variant has been classified as Likely Pathogenic.

Literature cited by the submitters: PubMed 16199547; PubMed 22402565; PubMed 26304966.